The following is an entry in ClinVar:

NM_002047.4(GARS1):c.999G>C (p.Glu333Asp)

Gene: GARS1 (glycyl-tRNA synthetase 1; plus strand). Cytogenetic location: 7p14.3.
Variant type: single nucleotide variant.
Coding change: c.999G>C on transcript NM_002047.4 (MANE Select); coding-DNA position 999, G replaced by C.
Protein change: p.Glu333Asp; replaces glutamic acid 333 with aspartic acid.
Molecular consequence: missense variant.
Genome position (GRCh38, 1-based): chr7:30,612,213, G>C. VCF-style: chr7-30612213-G-C. GRCh37 (hg19) VCF-style: chr7-30651829-G-C.
Other names: c.837G>C, p.Glu279Asp (NM_001316772.1); short protein forms E333D, E279D.
Identifiers: ClinVar variation 2734981 (VCV002734981.3), dbSNP rs2534306033, ClinGen allele CA367125505.

ClinVar aggregate classification (germline): Pathogenic (1 of 4 stars; one submission).

Conditions:
Charcot-Marie-Tooth disease type 2. Also called: Charcot-Marie-Tooth type 2. Identifiers: Orphanet 64746, MedGen C0270914, MONDO:0018993.

Submission:

Labcorp Genetics (formerly Invitae), Labcorp
Classification: Pathogenic for Charcot-Marie-Tooth disease type 2. Last evaluated: 2023-03-26. Review status: criteria provided, single submitter. Criteria: Invitae Variant Classification Sherloc (09022015). Collection method: clinical testing. Allele origin: germline.
Comment: This sequence change replaces glutamic acid, which is acidic and polar, with aspartic acid, which is acidic and polar, at codon 333 of the GARS protein (p.Glu333Asp). This variant is not present in population databases (gnomAD no frequency). This missense change has been observed in individual(s) with Charcot-Marie-Tooth disease and/or hereditary motor neuropathy (PMID: 26000875, 26392352). It has also been observed to segregate with disease in related individuals. This variant is also known as p.Glu279Asp. For these reasons, this variant has been classified as Pathogenic. Experimental studies have shown that this missense change affects GARS function (PMID: 29520015). Advanced modeling of protein sequence and biophysical properties (such as structural, functional, and spatial information, amino acid conservation, physicochemical variation, residue mobility, and thermodynamic stability) has been performed at Invitae for this missense variant, however the output from this modeling did not meet the statistical confidence thresholds required to predict the impact of this variant on GARS protein function.

Literature cited by the submitters: PubMed 26000875; PubMed 26392352; PubMed 29520015.